The following is an entry in ClinVar:

ClinVar aggregate classification (germline): Uncertain significance. Review status: criteria provided, multiple submitters, no conflicts (2 of 4 stars). 2 submissions from 2 submitters: Uncertain significance (2). Last evaluated 2025-04-29.

Conditions:
Cardiovascular phenotype. Identifiers: MedGen CN230736.
Hypertrophic cardiomyopathy 14. Identifiers: MedGen C2750467, MONDO:0013197, OMIM 613251.

Allele frequency attached by ClinVar (database versions not stated): gnomAD exomes below 0.00001; gnomAD 0.00001; TOPMed 0.00002.
gnomAD v4.1: 6 of 1,612,160 alleles (0.00037%); highest among the groups gnomAD compares: Non-Finnish European, 0.00051%; no homozygotes.

Submissions (2):

Ambry Genetics
Classification: Uncertain significance for Cardiovascular phenotype. Last evaluated: 2025-04-29. Review status: criteria provided, single submitter. Criteria: Ambry Variant Classification Scheme 2023. Collection method: clinical testing. Allele origin: germline.

Labcorp Genetics (formerly Invitae), Labcorp
Classification: Uncertain significance for Hypertrophic cardiomyopathy 14. Last evaluated: 2023-10-24. Review status: criteria provided, single submitter. Criteria: Invitae Variant Classification Sherloc (09022015). Collection method: clinical testing. Allele origin: germline.
Comment: This sequence change replaces serine, which is neutral and polar, with asparagine, which is neutral and polar, at codon 1224 of the MYH6 protein (p.Ser1224Asn). This variant is present in population databases (no rsID available, gnomAD 0.0009%). This variant has not been reported in the literature in individuals affected with MYH6-related conditions. ClinVar contains an entry for this variant (Variation ID: 1007675). Advanced modeling of protein sequence and biophysical properties (such as structural, functional, and spatial information, amino acid conservation, physicochemical variation, residue mobility, and thermodynamic stability) performed at Invitae indicates that this missense variant is not expected to disrupt MYH6 protein function with a negative predictive value of 80%. In summary, the available evidence is currently insufficient to determine the role of this variant in disease. Therefore, it has been classified as a Variant of Uncertain Significance.

NM_002471.4(MYH6):c.3671G>A (p.Ser1224Asn)

Gene: MYH6 (myosin heavy chain 6; minus strand). Cytogenetic location: 14q11.2.
Variant type: single nucleotide variant.
Coding change: c.3671G>A on transcript NM_002471.4 (MANE Select); coding-DNA position 3671, G replaced by A.
Protein change: p.Ser1224Asn; replaces serine 1224 with asparagine.
Molecular consequence: missense variant.
Genome position (GRCh38, 1-based): chr14:23,390,118, C>T on the plus strand (G>A on the coding strand, the complement: MYH6 is on the minus strand). VCF-style: chr14-23390118-C-T. GRCh37 (hg19) VCF-style: chr14-23859327-C-T.
Other names: short protein forms S1224N.
Identifiers: ClinVar variation 1007675 (VCV001007675.11), dbSNP rs1342875025, ClinGen allele CA389005395.
Genomic context (GRCh38, chr14:23,390,118, plus strand): 5'-TTGGCCTTGATGATCTGCTCCATGTTGGAGGTGACGTCATCCAGCTCCAGCTTGAACTCG[C>T]TCTTCTCCTTCTCCAGCTTCTGCTTCACCCGCTGCAGGTTGTCGATCTGCTCGCCCAGCT-3'
Protein context (NP_002462.2, residues 1214-1234): RVKQKLEKEK[Ser1224Asn]EFKLELDDVT